The following is an entry in ClinVar:

NM_000051.4(ATM):c.5107T>G (p.Phe1703Val)

Gene: ATM (ATM serine/threonine kinase; plus strand). Cytogenetic location: 11q22.3.
Variant type: single nucleotide variant.
Coding change: c.5107T>G on transcript NM_000051.4 (MANE Select); coding-DNA position 5107, T replaced by G.
Protein change: p.Phe1703Val; replaces phenylalanine 1703 with valine.
Molecular consequence: missense variant.
Genome position (GRCh38, 1-based): chr11:108,299,815, T>G. VCF-style: chr11-108299815-T-G. GRCh37 (hg19) VCF-style: chr11-108170542-T-G.
Other names: c.5107T>G, p.Phe1703Val (NM_001351834.2); short protein forms F1703V.
Identifiers: ClinVar variation 2054370 (VCV002054370.3), dbSNP rs1591702635, ClinGen allele CA382540769.

ClinVar aggregate classification (germline): Uncertain significance (1 of 4 stars; one submission).

Conditions:
Ataxia-telangiectasia syndrome (AT). Also called: ATAXIA-TELANGIECTASIA, COMPLEMENTATION GROUP A; ATAXIA-TELANGIECTASIA, FRESNO VARIANT; Ataxia-telangiectasia; Ataxia telangiectasia (A-T); Ataxia-telangiectasia, complementation group E; Cerebello-oculocutaneous telangiectasia. Identifiers: Orphanet 100, MedGen C0004135, MONDO:0008840, OMIM 208900.

Submission:

Labcorp Genetics (formerly Invitae), Labcorp
Classification: Uncertain significance for Ataxia-telangiectasia syndrome. Last evaluated: 2023-09-06. Review status: criteria provided, single submitter. Criteria: Invitae Variant Classification Sherloc (09022015). Collection method: clinical testing. Allele origin: germline.
Comment: This sequence change replaces phenylalanine, which is neutral and non-polar, with valine, which is neutral and non-polar, at codon 1703 of the ATM protein (p.Phe1703Val). This variant is not present in population databases (gnomAD no frequency). This variant has not been reported in the literature in individuals affected with ATM-related conditions. ClinVar contains an entry for this variant (Variation ID: 2054370). An algorithm developed to predict the effect of missense changes on protein structure and function (PolyPhen-2) suggests that this variant is likely to be tolerated. In summary, the available evidence is currently insufficient to determine the role of this variant in disease. Therefore, it has been classified as a Variant of Uncertain Significance.